The following is an entry in ClinVar:

ClinVar aggregate classification (germline): Likely benign. Review status: reviewed by expert panel (3 of 4 stars). 10 submissions from 10 submitters: Likely benign (1). 9 of the submissions do not count toward it. Last evaluated 2017-06-29.

Conditions:
BRCA1-related disorder. Also called: BRCA1-related condition.
Hereditary cancer-predisposing syndrome. Also called: Tumor predisposition; Neoplastic Syndromes, Hereditary; Hereditary Cancer Syndrome; Hereditary neoplastic syndrome. Identifiers: Orphanet 140162, MedGen C0027672, MeSH D009386, MONDO:0015356.
Hereditary breast ovarian cancer syndrome. Also called: Hereditary breast and ovarian cancer; Hereditary breast and ovarian cancer syndrome (HBOC); Breast and ovarian cancer; Hereditary breast and/or ovarian cancer syndrome; BRCA1- and BRCA2-Associated Hereditary Breast and Ovarian Cancer; Hereditary breast and ovarian cancer syndrome. Identifiers: Orphanet 145, MedGen C0677776, MeSH D061325, MONDO:0003582. Disease mechanism: loss of function.
Breast-ovarian cancer, familial, susceptibility to, 1 (BROVCA1). Also called: OVARIAN CANCER, SUSCEPTIBILITY TO; BRCA1 Hereditary Breast and Ovarian Cancer. Identifiers: Orphanet 145, MedGen C2676676, MONDO:0011450, OMIM 604370. Disease mechanism: loss of function.

Allele frequency attached by ClinVar (database versions not stated): gnomAD exomes below 0.00001 and 0.00001; TOPMed below 0.00001; gnomAD 0.00001.
gnomAD v4.1: 12 of 1,614,118 alleles (0.00074%); highest among the groups gnomAD compares: Non-Finnish European, 0.001%; no homozygotes.

Submissions (11):

Evidence-based Network for the Interpretation of Germline Mutant Alleles (ENIGMA)
Classification: Likely benign for Breast-ovarian cancer, familial, susceptibility to, 1. Last evaluated: 2017-06-29. Review status: reviewed by expert panel. Criteria: ENIGMA BRCA1/2 Classification Criteria (2017-06-29). Collection method: curation. Allele origin: germline.
Comment: Synonymous substitution variant, with low bioinformatic likelihood to result in a splicing aberration (Splicing prior probability 0.02).

Labcorp Genetics (formerly Invitae), Labcorp
Classification: Likely benign for Hereditary breast ovarian cancer syndrome. Last evaluated: 2025-12-23. Review status: criteria provided, single submitter. Criteria: Invitae Variant Classification Sherloc (09022015). Collection method: clinical testing. Allele origin: germline. Not counted in ClinVar's aggregate classification.

PreventionGenetics, part of Exact Sciences
Classification: Likely benign for BRCA1-related condition. Last evaluated: 2025-07-07. Review status: criteria provided, single submitter. Criteria: ACMG Guidelines, 2015. Collection method: clinical testing. Allele origin: germline. Not counted in ClinVar's aggregate classification.
Comment: This variant is classified as likely benign based on ACMG/AMP sequence variant interpretation guidelines (Richards et al. 2015 PMID: 25741868, with internal and published modifications).

All of Us Research Program, National Institutes of Health
Classification: Likely benign for Breast-ovarian cancer, familial, susceptibility to, 1. Last evaluated: 2023-12-13. Review status: criteria provided, single submitter. Criteria: ACMG Guidelines, 2015. Collection method: clinical testing. Allele origin: germline. Inheritance: Autosomal dominant inheritance. Observed: 1 variant allele, 1 heterozygote. Not counted in ClinVar's aggregate classification.
Comment: This study involves interpretation of variants in research participants for the purpose of population health screening. Participant phenotype was not available at the time of variant classification. Additional details can be found in publication PMID: 35346344, PMCID: PMC8962531

CeGaT Center for Human Genetics Tuebingen
Classification: Likely benign. Last evaluated: 2023-03-01. Review status: criteria provided, single submitter. Criteria: CeGaT Center For Human Genetics Tuebingen Variant Classification Criteria Version 2. Collection method: clinical testing. Allele origin: germline. Affected: yes. Observed: 1 variant allele. Not counted in ClinVar's aggregate classification.
Comment: BRCA1: BP4, BP7

Quest Diagnostics Nichols Institute San Juan Capistrano
Classification: Benign. Last evaluated: 2021-07-16. Review status: criteria provided, single submitter. Criteria: Quest Diagnostics criteria. Collection method: clinical testing. Allele origin: unknown. Not counted in ClinVar's aggregate classification.

Women's Health and Genetics/Laboratory Corporation of America, LabCorp
Classification: Likely benign. Last evaluated: 2020-09-03. Review status: criteria provided, single submitter. Criteria: LabCorp Variant Classification Summary - May 2015. Collection method: clinical testing. Allele origin: germline. Not counted in ClinVar's aggregate classification.

GeneDx
Classification: Likely benign. Last evaluated: 2019-07-16. Review status: criteria provided, single submitter. Criteria: GeneDx Variant Classification Process June 2021. Collection method: clinical testing. Allele origin: germline. Affected: yes. Not counted in ClinVar's aggregate classification.
Comment: This variant is associated with the following publications: (PMID: 16267036, 30209399)

Color Diagnostics, LLC DBA Color Health
Classification: Likely benign for Hereditary cancer-predisposing syndrome. Last evaluated: 2017-08-30. Review status: criteria provided, single submitter. Criteria: ACMG Guidelines, 2015. Collection method: clinical testing. Allele origin: germline. Not counted in ClinVar's aggregate classification.

Ambry Genetics
Classification: Likely benign for Hereditary cancer-predisposing syndrome. Last evaluated: 2014-10-25. Review status: criteria provided, single submitter. Criteria: Ambry Variant Classification Scheme 2023. Collection method: clinical testing. Allele origin: germline. Not counted in ClinVar's aggregate classification.

Brotman Baty Institute, University of Washington
No classification provided (evidence only). Condition: Breast-ovarian cancer, familial 1. Review status: no classification provided. Collection method: in vitro. Allele origin: not applicable. Functional consequence: functionally_normal. Not counted in ClinVar's aggregate classification.
ClinVar note: "not provided" was previously submitted as the classification for the variant. However, the classification appeared to be based only on an observation of functional data so it was converted to no classification on 2025-07-30.

Literature cited by the submitters: PubMed 16267036 (cited by Quest Diagnostics Nichols Institute San Juan Capistrano and Women's Health and Genetics/Laboratory Corporation of America, LabCorp); PubMed 30209399 (cited by Quest Diagnostics Nichols Institute San Juan Capistrano).

NM_007294.4(BRCA1):c.4914A>G (p.Glu1638=)

Gene: BRCA1 (BRCA1 DNA repair associated; minus strand). Cytogenetic location: 17q21.31.
Variant type: single nucleotide variant.
Coding change: c.4914A>G on transcript NM_007294.4 (MANE Select); coding-DNA position 4914, A replaced by G.
Protein change: p.Glu1638=; no amino-acid change (glutamic acid 1638 retained).
Molecular consequence: synonymous variant. On other transcripts: intron variant (1).
Genome position (GRCh38, 1-based): chr17:43,071,000, T>C on the plus strand (A>G on the coding strand, the complement: BRCA1 is on the minus strand). VCF-style: chr17-43071000-T-C. GRCh37 (hg19) VCF-style: chr17-41223017-T-C.
Other names: c.1602A>G, p.Glu534= (NM_001407981.1, NM_001407982.1, NM_001407983.1 and 13 more transcripts); c.1599A>G, p.Glu533= (NM_001408392.1, NM_001408396.1, NM_001408397.1 and 8 more transcripts); c.1596A>G, p.Glu532= (NM_001408406.1, NM_001408407.1, NM_001408408.1); c.1593A>G, p.Glu531= (NM_001408409.1); c.1530A>G, p.Glu510= (NM_001408410.1); c.1527A>G, p.Glu509= (NM_001408411.1); c.1524A>G, p.Glu508= (NM_001408412.1, NM_001408413.1, NM_001408414.1 and 2 more transcripts); c.1488A>G, p.Glu496= (NM_001408418.1, NM_001408419.1, NM_001408420.1); and 71 more.
Identifiers: ClinVar variation 184003 (VCV000184003.54), dbSNP rs786201216, ClinGen allele CA003078.
Genomic context (GRCh38, chr17:43,071,000, plus strand): 5'-GGTCAGGCCAGACACCACCATGGACATTCTTTTGTTGACCCTTTCTGTTGAAGCTGTCAA[T>C]TCTGGCTTCTCCCTGCTCACACTTTCTTCCATTGCATTATACCCAGCAGTATCAGTAGTA-3'
Protein context (NP_009225.1, residues 1628-1648): MEESVSREKP[Glu1638=]LTASTERVNK